The following is an entry in ClinVar:

NM_032043.3(BRIP1):c.3564G>C (p.Glu1188Asp)

Gene: BRIP1 (BRCA1 interacting DNA helicase 1; minus strand). Cytogenetic location: 17q23.2.
Variant type: single nucleotide variant.
Coding change: c.3564G>C on transcript NM_032043.3 (MANE Select); coding-DNA position 3564, G replaced by C.
Protein change: p.Glu1188Asp; replaces glutamic acid 1188 with aspartic acid.
Molecular consequence: missense variant.
Genome position (GRCh38, 1-based): chr17:61,683,482, C>G on the plus strand (G>C on the coding strand, the complement: BRIP1 is on the minus strand). VCF-style: chr17-61683482-C-G. GRCh37 (hg19) VCF-style: chr17-59760843-C-G.
Other names: short protein forms E1188D.
Identifiers: ClinVar variation 1732733 (VCV001732733.2), dbSNP rs2061301837, ClinGen allele CA400478240.

ClinVar aggregate classification (germline): Uncertain significance (1 of 4 stars; one submission).

Conditions:
Hereditary cancer-predisposing syndrome. Also called: Neoplastic Syndromes, Hereditary; Tumor predisposition; Hereditary Cancer Syndrome; Hereditary neoplastic syndrome. Identifiers: Orphanet 140162, MedGen C0027672, MeSH D009386, MONDO:0015356.

Submission:

Ambry Genetics
Classification: Uncertain significance for Hereditary cancer-predisposing syndrome. Last evaluated: 2022-01-31. Review status: criteria provided, single submitter. Criteria: Ambry Variant Classification Scheme 2023. Collection method: clinical testing. Allele origin: germline.
Comment: The p.E1188D variant (also known as c.3564G>C), located in coding exon 19 of the BRIP1 gene, results from a G to C substitution at nucleotide position 3564. The glutamic acid at codon 1188 is replaced by aspartic acid, an amino acid with highly similar properties. This amino acid position is conserved. In addition, this alteration is predicted to be tolerated by in silico analysis. Since supporting evidence is limited at this time, the clinical significance of this alteration remains unclear.